The following is an entry in ClinVar:

NM_001287491.2(TET3):c.948A>G (p.Pro316=)

Gene: TET3 (tet methylcytosine dioxygenase 3; plus strand). Cytogenetic location: 2p13.1.
Variant type: single nucleotide variant.
Coding change: c.948A>G on transcript NM_001287491.2 (MANE Select); coding-DNA position 948, A replaced by G.
Protein change: p.Pro316=; no amino-acid change (proline 316 retained).
Molecular consequence: synonymous variant.
Genome position (GRCh38, 1-based): chr2:74,046,865, A>G. VCF-style: chr2-74046865-A-G. GRCh37 (hg19) VCF-style: chr2-74273992-A-G.
Other names: c.669A>G, p.Pro223= (NM_001366022.1); c.543A>G, p.Pro181= (NM_144993.1).
Identifiers: ClinVar variation 3234450 (VCV003234450.20), dbSNP rs745999928, ClinGen allele CA427027452.
Genomic context (GRCh38, chr2:74,046,865, plus strand): 5'-AGGAGGGGAGGAGCGGCCCAGGCTCCCAGGGCCTCTGCCTCCTGGTGAGGCCGGCCTCCC[A>G]GCACCAAGCACCAGGCCACTCCTCAGCTCAGAGGTGCCCCAGATCTCTCCCCAAGAGGGC-3'
Protein context (NP_001274420.1, residues 306-326): GPLPPGEAGL[Pro316=]APSTRPLLSS

ClinVar aggregate classification (germline): Likely benign (1 of 4 stars; one submission).

gnomAD v4.1: 6 of 1,613,398 alleles (0.00037%); highest among the groups gnomAD compares: Middle Eastern, 0.082%; no homozygotes.

Submission:

CeGaT Center for Human Genetics Tuebingen
Classification: Likely benign. Last evaluated: 2024-04-01. Review status: criteria provided, single submitter. Criteria: CeGaT Center For Human Genetics Tuebingen Variant Classification Criteria Version 2. Collection method: clinical testing. Allele origin: germline. Affected: yes. Observed: 1 variant allele.
Comment: TET3: BP4, BP7